The following is an entry in ClinVar:

ClinVar aggregate classification (germline): Conflicting classifications of pathogenicity. Review status: criteria provided, conflicting classifications (1 of 4 stars). 5 submissions from 5 submitters: Uncertain significance (2); Likely benign (3). Last evaluated 2026-05-22.

Conditions:
LRP5-related disorder. Also called: LRP5-related condition.

Allele frequency attached by ClinVar (database versions not stated): gnomAD exomes 0.00003 and 0.00011; ExAC 0.00016; gnomAD 0.00042 and 0.00046; TOPMed 0.00042; ESP Exome Variant Server 0.00085.
gnomAD v4.1: 113 of 1,611,576 alleles (0.007%); highest among the groups gnomAD compares: African/African-American, 0.13%; no homozygotes.

Submissions (5):

GeneDx
Classification: Uncertain significance. Last evaluated: 2026-05-22. Review status: criteria provided, single submitter. Criteria: GeneDx Variant Classification Process June 2021. Collection method: clinical testing. Allele origin: germline.
Comment: Reported in a study of individuals with inherited retinal disease, but detailed clinical information and familial segregation were not provided (PMID: 27898983); In silico analysis supports that this missense variant has a deleterious effect on protein structure/function; This variant is associated with the following publications: (PMID: 34505810, 40010420, 27898983)

Labcorp Genetics (formerly Invitae), Labcorp
Classification: Likely benign. Last evaluated: 2025-10-03. Review status: criteria provided, single submitter. Criteria: Invitae Variant Classification Sherloc (09022015). Collection method: clinical testing. Allele origin: germline.

PreventionGenetics, part of Exact Sciences
Classification: Likely benign for LRP5-related condition. Last evaluated: 2024-12-02. Review status: criteria provided, single submitter. Criteria: ACMG Guidelines, 2015. Collection method: clinical testing. Allele origin: germline.
Comment: This variant is classified as likely benign based on ACMG/AMP sequence variant interpretation guidelines (Richards et al. 2015 PMID: 25741868, with internal and published modifications).

Blueprint Genetics
Classification: Likely benign. Last evaluated: 2024-11-11. Review status: criteria provided, single submitter. Criteria: ACMG Guidelines, 2015. Collection method: clinical testing. Allele origin: germline.

Eurofins Ntd Llc (ga)
Classification: Uncertain significance. Last evaluated: 2015-04-27. Review status: criteria provided, single submitter. Criteria: EGL Classification Definitions 2015. Collection method: clinical testing. Allele origin: germline. Observed: 1 variant allele, 1 heterozygote.

NM_002335.4(LRP5):c.2324T>C (p.Ile775Thr)

Gene: LRP5 (LDL receptor related protein 5; plus strand). Cytogenetic location: 11q13.2.
Variant type: single nucleotide variant.
Coding change: c.2324T>C on transcript NM_002335.4 (MANE Select); coding-DNA position 2324, T replaced by C.
Protein change: p.Ile775Thr; replaces isoleucine 775 with threonine.
Molecular consequence: missense variant.
Genome position (GRCh38, 1-based): chr11:68,411,441, T>C. VCF-style: chr11-68411441-T-C. GRCh37 (hg19) VCF-style: chr11-68178909-T-C.
Other names: c.581T>C, p.Ile194Thr (NM_001291902.2); c.2324T>C (NM_002335.2); short protein forms I775T, I194T.
Identifiers: ClinVar variation 193855 (VCV000193855.16), dbSNP rs144983823, ClinGen allele CA239532.
Genomic context (GRCh38, chr11:68,411,441, plus strand): 5'-GTCCTGCGGTGAGAGCAGACTCACTGAGCCTGCCCTTCTCCCTTGTGCCTTCCAGCTACA[T>C]CTACTGGACCGAGTGGGGCGGCAAGCCGAGGATCGTGCGGGCCTTCATGGACGGGACCAA-3'
Protein context (NP_002326.2, residues 765-785): SLALDPTKGY[Ile775Thr]YWTEWGGKPR